The following is an entry in ClinVar:

NM_018127.7(ELAC2):c.983+15C>G

Gene: ELAC2 (elaC ribonuclease Z 2; minus strand). Cytogenetic location: 17p12.
Variant type: single nucleotide variant.
Coding change: c.983+15C>G on transcript NM_018127.7 (MANE Select); 15 bases into the intron after coding-DNA position 983, C replaced by G.
Molecular consequence: intron variant.
Genome position (GRCh38, 1-based): chr17:13,004,974, G>C on the plus strand (C>G on the coding strand, the complement: ELAC2 is on the minus strand). VCF-style: chr17-13004974-G-C. GRCh37 (hg19) VCF-style: chr17-12908291-G-C.
Other names: c.863+15C>G (NM_001165962.2); c.983+15C>G (NM_173717.2).
Identifiers: ClinVar variation 512035 (VCV000512035.1), dbSNP rs200937200, ClinGen allele CA8401417.

ClinVar aggregate classification (germline): Likely benign (1 of 4 stars; one submission).

Allele frequency attached by ClinVar (database versions not stated): gnomAD exomes below 0.00001 and 0.00001; gnomAD 0.00001; ExAC 0.00002; 1000 Genomes Project 30x 0.00016; 1000 Genomes Project 0.00020.
gnomAD v4.1: 3 of 1,594,886 alleles (0.00019%); highest among the groups gnomAD compares: East Asian, 0.0022%; no homozygotes.

Submission:

GeneDx
Classification: Likely benign. Last evaluated: 2017-09-13. Review status: criteria provided, single submitter. Criteria: GeneDx Variant Classification (06012015). Collection method: clinical testing. Allele origin: germline. Affected: yes.
Comment: This variant is considered likely benign or benign based on one or more of the following criteria: it is a conservative change, it occurs at a poorly conserved position in the protein, it is predicted to be benign by multiple in silico algorithms, and/or has population frequency not consistent with disease.